The following is an entry in ClinVar:

NM_002019.4(FLT1):c.3287-16A>C

Gene: FLT1 (fms related receptor tyrosine kinase 1; minus strand). Cytogenetic location: 13q12.3.
Variant type: single nucleotide variant.
Coding change: c.3287-16A>C on transcript NM_002019.4 (MANE Select); 16 bases into the intron before coding-DNA position 3287, A replaced by C.
Molecular consequence: intron variant.
Genome position (GRCh38, 1-based): chr13:28,317,613, T>G on the plus strand (A>C on the coding strand, the complement: FLT1 is on the minus strand). VCF-style: chr13-28317613-T-G. GRCh37 (hg19) VCF-style: chr13-28891750-T-G.
Identifiers: ClinVar variation 162071 (VCV000162071.2), dbSNP rs537403174, ClinGen allele CA251191.

ClinVar aggregate classification (germline): not provided (0 of 4 stars; one submission).

Conditions:
Carcinoma of colon (CRC). Also called: Colonic carcinoma; Colon carcinoma. Identifiers: MedGen C0699790, MONDO:0002032.

Submission:

Immunobiology Lab; University of Kashmir
No classification provided. Condition: Carcinoma of colon. Review status: no classification provided. Collection method: not provided. Allele origin: somatic.
ClinVar note: Converted during submission from untested to not provided.